The following is an entry in ClinVar:

ClinVar aggregate classification (germline): Conflicting classifications of pathogenicity. Review status: criteria provided, conflicting classifications (1 of 4 stars). 2 submissions from 2 submitters: Uncertain significance (1); Likely benign (1). Last evaluated 2025-05-27.

Conditions:
Inborn genetic diseases. Identifiers: MedGen C0950123, MeSH D030342.
Myopathy, proximal, and ophthalmoplegia (CMYO6). Also called: INCLUSION BODY MYOPATHY 3, AUTOSOMAL DOMINANT; MYOPATHY WITH CONGENITAL JOINT CONTRACTURES, OPHTHALMOPLEGIA, AND RIMMED VACUOLES; CONGENITAL MYOPATHY 6 WITH OPHTHALMOPLEGIA. Identifiers: Orphanet 363677, Orphanet 79091, MedGen C1854106, MONDO:0011577, OMIM 605637.

Allele frequency attached by ClinVar (database versions not stated): gnomAD 0.00001; ExAC 0.00002; gnomAD exomes 0.00002 and 0.00003; TOPMed 0.00002.
gnomAD v4.1: 25 of 1,613,940 alleles (0.0015%); highest among the groups gnomAD compares: Admixed American, 0.005%; no homozygotes.

Submissions (2):

Labcorp Genetics (formerly Invitae), Labcorp
Classification: Uncertain significance for Myopathy, proximal, and ophthalmoplegia. Last evaluated: 2025-05-27. Review status: criteria provided, single submitter. Criteria: Invitae Variant Classification Sherloc (09022015). Collection method: clinical testing. Allele origin: germline.
Comment: This sequence change replaces threonine, which is neutral and polar, with methionine, which is neutral and non-polar, at codon 1606 of the MYH2 protein (p.Thr1606Met). This variant is present in population databases (rs768621451, gnomAD 0.009%). This variant has not been reported in the literature in individuals affected with MYH2-related conditions. ClinVar contains an entry for this variant (Variation ID: 662985). Invitae Evidence Modeling of protein sequence and biophysical properties (such as structural, functional, and spatial information, amino acid conservation, physicochemical variation, residue mobility, and thermodynamic stability) indicates that this missense variant is not expected to disrupt MYH2 protein function with a negative predictive value of 80%. In summary, the available evidence is currently insufficient to determine the role of this variant in disease. Therefore, it has been classified as a Variant of Uncertain Significance.

Ambry Genetics
Classification: Likely benign for Inborn genetic diseases. Last evaluated: 2022-04-22. Review status: criteria provided, single submitter. Criteria: Ambry Variant Classification Scheme 2023. Collection method: clinical testing. Allele origin: germline.

NM_017534.6(MYH2):c.4817C>T (p.Thr1606Met)

Genes: MYH2 (myosin heavy chain 2; minus strand), MYHAS (myosin heavy chain gene cluster antisense RNA; plus strand), LOC126862500 (BRD4-independent group 4 enhancer GRCh37_chr17:10427829-10429028; plus strand). Cytogenetic location: 17p13.1.
Variant type: single nucleotide variant.
Coding change: c.4817C>T on transcript NM_017534.6 (MANE Select); coding-DNA position 4817, C replaced by T.
Protein change: p.Thr1606Met; replaces threonine 1606 with methionine.
Molecular consequence: missense variant.
Genome position (GRCh38, 1-based): chr17:10,524,911, G>A on the plus strand (C>T on the coding strand, the complement: MYH2 is on the minus strand). VCF-style: chr17-10524911-G-A. GRCh37 (hg19) VCF-style: chr17-10428228-G-A.
Other names: c.4817C>T, p.Thr1606Met (NM_001100112.2); c.4817C>T (NM_017534.5); short protein forms T1606M.
Identifiers: ClinVar variation 662985 (VCV000662985.9), dbSNP rs768621451, ClinGen allele CA8390553.